The following is an entry in ClinVar:

NM_001041.4(SI):c.15_16del (p.Lys5fs)

Gene: SI (sucrase-isomaltase; minus strand). Cytogenetic location: 3q26.1.
Variant type: Deletion.
Coding change: c.15_16del on transcript NM_001041.4 (MANE Select); coding-DNA positions 15 to 16, 2 bases deleted (AT; older notation c.15_16delAT).
Protein change: p.Lys5fs; shifts the reading frame from lysine 5.
Molecular consequence: frameshift variant.
Genome position (GRCh38, 1-based): chr3:165,075,997-165,075,998, AT deleted on the plus strand (AT on the coding strand, the reverse complement: SI is on the minus strand). VCF-style (leftmost placement, unchanged base first): chr3-165075996-AAT-A. GRCh37 (hg19) VCF-style: chr3-164793784-AAT-A.
Other names: short protein forms K5fs.
Identifiers: ClinVar variation 3649473 (VCV003649473.2).

ClinVar aggregate classification (germline): Pathogenic (1 of 4 stars; one submission).

Submission:

Labcorp Genetics (formerly Invitae), Labcorp
Classification: Pathogenic. Last evaluated: 2024-04-10. Review status: criteria provided, single submitter. Criteria: Invitae Variant Classification Sherloc (09022015). Collection method: clinical testing. Allele origin: germline.
Comment: This sequence change creates a premature translational stop signal (p.Lys5Asnfs*2) in the SI gene. It is expected to result in an absent or disrupted protein product. Loss-of-function variants in SI are known to be pathogenic (PMID: 16329100, 23103650, 25452324). This variant is not present in population databases (gnomAD no frequency). This variant has not been reported in the literature in individuals affected with SI-related conditions. For these reasons, this variant has been classified as Pathogenic.

Literature cited by the submitters: PubMed 16329100; PubMed 23103650; PubMed 25452324.